The following is an entry in ClinVar:

ClinVar aggregate classification (germline): Uncertain significance (1 of 4 stars; one submission).

Conditions:
Ehlers-Danlos syndrome, type 4 (EDSVASC). Also called: Ehlers-Danlos syndrome vascular type; Ehlers Danlos syndrome, ecchymotic type; Ehlers Danlos syndrome, arterial type; Ehlers Danlos syndrome, Sack-Barabas type; Ehlers-Danlos Syndrome Type IV. Identifiers: Orphanet 286, MedGen C0268338, MONDO:0017314, OMIM 130050.

Submission:

Labcorp Genetics (formerly Invitae), Labcorp
Classification: Uncertain significance for Ehlers-Danlos syndrome, type 4. Last evaluated: 2025-06-12. Review status: criteria provided, single submitter. Criteria: Invitae Variant Classification Sherloc (09022015). Collection method: clinical testing. Allele origin: germline.
Comment: This sequence change replaces proline, which is neutral and non-polar, with leucine, which is neutral and non-polar, at codon 1040 of the COL3A1 protein (p.Pro1040Leu). This variant is not present in population databases (gnomAD no frequency). This variant has not been reported in the literature in individuals affected with COL3A1-related conditions. ClinVar contains an entry for this variant (Variation ID: 1721547). Invitae Evidence Modeling of protein sequence and biophysical properties (such as structural, functional, and spatial information, amino acid conservation, physicochemical variation, residue mobility, and thermodynamic stability) indicates that this missense variant is not expected to disrupt COL3A1 protein function with a negative predictive value of 95%. In summary, the available evidence is currently insufficient to determine the role of this variant in disease. Therefore, it has been classified as a Variant of Uncertain Significance.

NM_000090.4(COL3A1):c.3119C>T (p.Pro1040Leu)

Gene: COL3A1 (collagen type III alpha 1 chain; plus strand). Cytogenetic location: 2q32.2.
Variant type: single nucleotide variant.
Coding change: c.3119C>T on transcript NM_000090.4 (MANE Select); coding-DNA position 3119, C replaced by T.
Protein change: p.Pro1040Leu; replaces proline 1040 with leucine.
Molecular consequence: missense variant.
Genome position (GRCh38, 1-based): chr2:189,006,370, C>T. VCF-style: chr2-189006370-C-T. GRCh37 (hg19) VCF-style: chr2-189871096-C-T.
Other names: short protein forms P1040L.
Identifiers: ClinVar variation 1721547 (VCV001721547.6), dbSNP rs2469158114, ClinGen allele CA349845059.